The following is an entry in ClinVar:

ClinVar aggregate classification (germline): Likely benign (1 of 4 stars; one submission).

Allele frequency attached by ClinVar (database versions not stated): gnomAD exomes 0.00014; TOPMed 0.00015; ExAC 0.00017; gnomAD 0.00021.
gnomAD v4.1: 232 of 1,612,960 alleles (0.014%); highest among the groups gnomAD compares: Non-Finnish European, 0.017%; 1 homozygote.

Submission:

CeGaT Center for Human Genetics Tuebingen
Classification: Likely benign. Last evaluated: 2023-09-01. Review status: criteria provided, single submitter. Criteria: CeGaT Center For Human Genetics Tuebingen Variant Classification Criteria Version 2. Collection method: clinical testing. Allele origin: germline. Affected: yes. Observed: 1 variant allele.
Comment: AHNAK2: BP4, BS2

NM_138420.4(AHNAK2):c.14026G>C (p.Asp4676His)

Gene: AHNAK2 (AHNAK nucleoprotein 2; minus strand). Cytogenetic location: 14q32.33.
Variant type: single nucleotide variant.
Coding change: c.14026G>C on transcript NM_138420.4 (MANE Select); coding-DNA position 14026, G replaced by C.
Protein change: p.Asp4676His; replaces aspartic acid 4676 with histidine.
Molecular consequence: missense variant.
Genome position (GRCh38, 1-based): chr14:104,941,425, C>G on the plus strand (G>C on the coding strand, the complement: AHNAK2 is on the minus strand). VCF-style: chr14-104941425-C-G. GRCh37 (hg19) VCF-style: chr14-105407762-C-G.
Other names: c.13726G>C, p.Asp4576His (NM_001350929.2); short protein forms D4576H, D4676H.
Identifiers: ClinVar variation 2644638 (VCV002644638.24), dbSNP rs759568101, ClinGen allele CA7377717.